The following is an entry in ClinVar:

ClinVar aggregate classification (germline): Uncertain significance. Review status: criteria provided, multiple submitters, no conflicts (2 of 4 stars). 2 submissions from 2 submitters: Uncertain significance (2). Last evaluated 2026-07-10.

Conditions:
Inborn genetic diseases. Identifiers: MedGen C0950123, MeSH D030342.
Pulmonary fibrosis and/or bone marrow failure, Telomere-related, 3. Also called: PULMONARY FIBROSIS AND/OR BONE MARROW FAILURE SYNDROME, TELOMERE-RELATED, 3. Identifiers: Orphanet 2032, MedGen C4225346, MONDO:0014613, OMIM 616373.
Dyskeratosis congenita, autosomal recessive 5 (DKCB5). Identifiers: MedGen C3554656, MONDO:0014076, OMIM 615190.

gnomAD v4.1: 1 of 1,612,500 alleles (0.000062%); highest among the groups gnomAD compares: Non-Finnish European, 0.000085%; no homozygotes.

Submissions (2):

Ambry Genetics
Classification: Uncertain significance for Inborn genetic diseases. Last evaluated: 2026-07-10. Review status: criteria provided, single submitter. Criteria: Ambry Variant Classification Scheme 2023. Collection method: clinical testing. Allele origin: germline.
Comment: The p.S1061N variant (also known as c.3182G>A), located in coding exon 31 of the RTEL1 gene, results from a G to A substitution at nucleotide position 3182. The serine at codon 1061 is replaced by asparagine, an amino acid with highly similar properties. This amino acid position is conserved. In addition, this alteration is predicted to be tolerated by in silico analysis. Based on the available evidence, the clinical significance of this variant remains unclear.

Labcorp Genetics (formerly Invitae), Labcorp
Classification: Uncertain significance for Dyskeratosis congenita, autosomal recessive 5; Pulmonary fibrosis and/or bone marrow failure, Telomere-related, 3. Last evaluated: 2020-12-25. Review status: criteria provided, single submitter. Criteria: Invitae Variant Classification Sherloc (09022015). Collection method: clinical testing. Allele origin: germline.
Comment: In summary, the available evidence is currently insufficient to determine the role of this variant in disease. Therefore, it has been classified as a Variant of Uncertain Significance. Algorithms developed to predict the effect of missense changes on protein structure and function (SIFT, PolyPhen-2, Align-GVGD) all suggest that this variant is likely to be tolerated, but these predictions have not been confirmed by published functional studies and their clinical significance is uncertain. This variant has not been reported in the literature in individuals with RTEL1-related conditions. This variant is not present in population databases (ExAC no frequency). This sequence change replaces serine with asparagine at codon 1061 of the RTEL1 protein (p.Ser1061Asn). The serine residue is weakly conserved and there is a small physicochemical difference between serine and asparagine.

NM_001283009.2(RTEL1):c.3182G>A (p.Ser1061Asn)

Genes: RTEL1 (regulator of telomere elongation helicase 1; plus strand), RTEL1-TNFRSF6B (RTEL1-TNFRSF6B readthrough (NMD candidate); plus strand). Cytogenetic location: 20q13.33.
Variant type: single nucleotide variant.
Coding change: c.3182G>A on transcript NM_001283009.2 (MANE Select); coding-DNA position 3182, G replaced by A.
Protein change: p.Ser1061Asn; replaces serine 1061 with asparagine.
Molecular consequence: missense variant. On other transcripts: non-coding transcript variant (1).
Genome position (GRCh38, 1-based): chr20:63,694,813, G>A. VCF-style: chr20-63694813-G-A. GRCh37 (hg19) VCF-style: chr20-62326166-G-A.
Other names: c.2513G>A, p.Ser838Asn (NM_001283010.1); c.3182G>A, p.Ser1061Asn (NM_016434.4); c.3254G>A, p.Ser1085Asn (NM_032957.5); short protein forms S1061N, S1085N, S838N.
Identifiers: ClinVar variation 1399981 (VCV001399981.9), dbSNP rs1167219600, ClinGen allele CA409684918.
Genomic context (GRCh38, chr20:63,694,813, plus strand): 5'-GCCAACCACAGTGGGGGTCTGGAGTGCCCAGAGCAGGGAAGCAGGGCCAGCACGCCGTGA[G>A]CGCCTACCTGGCTGATGCCCGCAGGGCCCTGGGGTCCGCGGGCTGTAGCCAACTCTTGGC-3'
Protein context (NP_001269938.1, residues 1051-1071): RAGKQGQHAV[Ser1061Asn]AYLADARRAL